The following is an entry in ClinVar:

ClinVar aggregate classification (germline): Conflicting classifications of pathogenicity. Review status: criteria provided, conflicting classifications (1 of 4 stars). 4 submissions from 4 submitters: Uncertain significance (1); Likely benign (3). Last evaluated 2025-07-10.

Conditions:
Achromatopsia. Also called: Rod monochromatism. Identifiers: Orphanet 49382, MedGen C0152200, MONDO:0018852, HP:0011516.
CNGA3-related disorder. Also called: CNGA3-related condition.

Allele frequency attached by ClinVar (database versions not stated): 1000 Genomes Project 30x 0.00047; 1000 Genomes Project 0.00060; gnomAD below 0.00001 and 0.00007; TOPMed 0.00001; gnomAD exomes 0.00012 and 0.00024; ExAC 0.00028.
gnomAD v4.1: 181 of 1,614,240 alleles (0.011%); highest among the groups gnomAD compares: South Asian, 0.19%; no homozygotes.

Submissions (4):

Labcorp Genetics (formerly Invitae), Labcorp
Classification: Likely benign. Last evaluated: 2025-07-10. Review status: criteria provided, single submitter. Criteria: Invitae Variant Classification Sherloc (09022015). Collection method: clinical testing. Allele origin: germline.

PreventionGenetics, part of Exact Sciences
Classification: Likely benign for CNGA3-related condition. Last evaluated: 2025-03-27. Review status: criteria provided, single submitter. Criteria: ACMG Guidelines, 2015. Collection method: clinical testing. Allele origin: germline.
Comment: This variant is classified as likely benign based on ACMG/AMP sequence variant interpretation guidelines (Richards et al. 2015 PMID: 25741868, with internal and published modifications).

Blueprint Genetics
Classification: Likely benign. Last evaluated: 2024-04-09. Review status: criteria provided, single submitter. Criteria: ACMG Guidelines, 2015. Collection method: clinical testing. Allele origin: germline.

Molecular Genetics Laboratory, Institute for Ophthalmic Research
Classification: Uncertain significance for Achromatopsia. Last evaluated: 2018-03-20. Review status: criteria provided, single submitter. Criteria: ACMG Guidelines, 2015. Collection method: research. Allele origin: germline. Affected: yes.

Literature cited by the submitters: PubMed 20079539 (cited by Molecular Genetics Laboratory, Institute for Ophthalmic Research).

NM_001298.3(CNGA3):c.796G>A (p.Val266Met)

Gene: CNGA3 (cyclic nucleotide gated channel subunit alpha 3; plus strand). Cytogenetic location: 2q11.2.
Variant type: single nucleotide variant.
Coding change: c.796G>A on transcript NM_001298.3 (MANE Select); coding-DNA position 796, G replaced by A.
Protein change: p.Val266Met; replaces valine 266 with methionine.
Molecular consequence: missense variant.
Genome position (GRCh38, 1-based): chr2:98,395,966, G>A. VCF-style: chr2-98395966-G-A. GRCh37 (hg19) VCF-style: chr2-99012429-G-A.
Other names: c.742G>A, p.Val248Met (NM_001079878.2); short protein forms V266M, V248M.
Identifiers: ClinVar variation 503560 (VCV000503560.13), dbSNP rs536335712, ClinGen allele CA1793895.
Genomic context (GRCh38, chr2:98,395,966, plus strand): 5'-ACCACGCAGTTCAAGCTGGATGTGTTGTCCCTGGTCCCCACCGACCTGGCTTACTTAAAG[G>A]TGGGCACAAACTACCCAGAAGTGAGGTTCAACCGCCTACTGAAGTTTTCCCGGCTCTTTG-3'
Protein context (NP_001289.1, residues 256-276): LVPTDLAYLK[Val266Met]GTNYPEVRFN